The following is an entry in ClinVar:

ClinVar aggregate classification (germline): Uncertain significance (1 of 4 stars; one submission).

Submission:

Labcorp Genetics (formerly Invitae), Labcorp
Classification: Uncertain significance. Last evaluated: 2025-04-20. Review status: criteria provided, single submitter. Criteria: Invitae Variant Classification Sherloc (09022015). Collection method: clinical testing. Allele origin: germline.
Comment: This sequence change replaces glutamine, which is neutral and polar, with glutamic acid, which is acidic and polar, at codon 781 of the AEBP1 protein (p.Gln781Glu). This variant is present in population databases (rs773274347, gnomAD 0.005%). This variant has not been reported in the literature in individuals affected with AEBP1-related conditions. An algorithm developed to predict the effect of missense changes on protein structure and function (PolyPhen-2) suggests that this variant is likely to be tolerated. In summary, the available evidence is currently insufficient to determine the role of this variant in disease. Therefore, it has been classified as a Variant of Uncertain Significance.

NM_001129.5(AEBP1):c.2341C>G (p.Gln781Glu)

Gene: AEBP1 (AE binding protein 1; plus strand). Cytogenetic location: 7p13.
Variant type: single nucleotide variant.
Coding change: c.2341C>G on transcript NM_001129.5 (MANE Select); coding-DNA position 2341, C replaced by G.
Protein change: p.Gln781Glu; replaces glutamine 781 with glutamic acid.
Molecular consequence: missense variant.
Genome position (GRCh38, 1-based): chr7:44,112,681, C>G. VCF-style: chr7-44112681-C-G. GRCh37 (hg19) VCF-style: chr7-44152280-C-G.
Other names: short protein forms Q781E.
Identifiers: ClinVar variation 4797038 (VCV004797038.1).
Genomic context (GRCh38, chr7:44,112,681, plus strand): 5'-AATCTGAACGGCGGCGAGCGGCTAGTATCCTACCCCTACGATATGGCCCGCACGCCTACC[C>G]AGGAGCAGCTGCTGGCCGCAGCCATGGCAGCAGCCCGGGGGGAGGATGAGGACGAGGTCT-3'
Protein context (NP_001120.3, residues 771-791): YPYDMARTPT[Gln781Glu]EQLLAAAMAA